The following is an entry in ClinVar:

NM_000349.3(STAR):c.688T>C (p.Leu230=)

Gene: STAR (steroidogenic acute regulatory protein; minus strand). Cytogenetic location: 8p11.23.
Variant type: single nucleotide variant.
Coding change: c.688T>C on transcript NM_000349.3 (MANE Select); coding-DNA position 688, T replaced by C.
Protein change: p.Leu230=; no amino-acid change (leucine 230 retained).
Molecular consequence: synonymous variant.
Genome position (GRCh38, 1-based): chr8:38,145,278, A>G on the plus strand (T>C on the coding strand, the complement: STAR is on the minus strand). VCF-style: chr8-38145278-A-G. GRCh37 (hg19) VCF-style: chr8-38002796-A-G.
Other names: c.688T>C (NM_000349.2).
Identifiers: ClinVar variation 1112502 (VCV001112502.9), dbSNP rs767678899, ClinGen allele CA4715164.
Genomic context (GRCh38, chr8:38,145,278, plus strand): 5'-TCACCTTGAGGTCGATGCTGAGTAGCCACGTAAGTTTGGTCTTAGAGGGACTTCCAGCCA[A>G]CGGGTGAAGCACCATGCAAGTGGGACCGTGCTCCGCCCTGGCAAATGGAGAAGTCAAGTC-3'
Protein context (NP_000340.2, residues 220-240): HGPTCMVLHP[Leu230=]AGSPSKTKLT

ClinVar aggregate classification (germline): Likely benign. Review status: criteria provided, single submitter (1 of 4 stars). 2 submissions from 2 submitters: Likely benign (1). 1 of the submissions does not count toward it. Last evaluated 2023-04-06.

Conditions:
STAR-related disorder. Also called: STAR-related condition.

Allele frequency attached by ClinVar (database versions not stated): gnomAD exomes below 0.00001 and 0.00001; ExAC 0.00001.
gnomAD v4.1: 8 of 1,614,210 alleles (0.0005%); highest among the groups gnomAD compares: Non-Finnish European, 0.00068%; no homozygotes.

Submissions (2):

Labcorp Genetics (formerly Invitae), Labcorp
Classification: Likely benign. Last evaluated: 2023-04-06. Review status: criteria provided, single submitter. Criteria: Invitae Variant Classification Sherloc (09022015). Collection method: clinical testing. Allele origin: germline.

PreventionGenetics, part of Exact Sciences
Classification: Likely benign for STAR-related condition. Last evaluated: 2022-05-27. Review status: no assertion criteria provided. Collection method: clinical testing. Allele origin: germline. Not counted in ClinVar's aggregate classification.
Comment: This variant is classified as likely benign based on ACMG/AMP sequence variant interpretation guidelines (Richards et al. 2015 PMID: 25741868, with internal and published modifications).